The following is an entry in ClinVar:

NM_001329943.3(KIAA0586):c.556G>C (p.Ala186Pro)

Gene: KIAA0586 (KIAA0586; plus strand). Cytogenetic location: 14q23.1.
Variant type: single nucleotide variant.
Coding change: c.556G>C on transcript NM_001329943.3 (MANE Select); coding-DNA position 556, G replaced by C.
Protein change: p.Ala186Pro; replaces alanine 186 with proline.
Molecular consequence: missense variant.
Genome position (GRCh38, 1-based): chr14:58,442,851, G>C. VCF-style: chr14-58442851-G-C. GRCh37 (hg19) VCF-style: chr14-58909569-G-C.
Other names: c.715G>C, p.Ala239Pro (NM_001244189.2); c.511G>C, p.Ala171Pro (NM_001244190.2); c.301G>C, p.Ala101Pro (NM_001244191.2, NM_001329945.2, NM_001364700.1 and 1 more transcripts); c.424G>C, p.Ala142Pro (NM_001244192.2); c.136G>C, p.Ala46Pro (NM_001244193.2); c.556G>C, p.Ala186Pro (NM_001329944.2, NM_001329946.2, NM_001329947.2 and 1 more transcripts); short protein forms A186P, A46P, A101P, A171P, A239P, A142P.
Identifiers: ClinVar variation 1385317 (VCV001385317.6), dbSNP rs758886732, ClinGen allele CA7205421.

ClinVar aggregate classification (germline): Uncertain significance (1 of 4 stars; one submission).

Conditions:
Joubert syndrome 23 (JBTS23). Identifiers: Orphanet 475, MedGen C4084822, MONDO:0014664, OMIM 616490.
Short-rib thoracic dysplasia 14 with polydactyly (SRTD14). Identifiers: Orphanet 397715, MedGen C4225286, MONDO:0014688, OMIM 616546.

Allele frequency attached by ClinVar (database versions not stated): ExAC 0.00001; gnomAD exomes 0.00001; TOPMed 0.00001.
gnomAD v4.1: 5 of 1,609,694 alleles (0.00031%); highest among the groups gnomAD compares: Admixed American, 0.0068%; no homozygotes.

Submission:

Labcorp Genetics (formerly Invitae), Labcorp
Classification: Uncertain significance for Joubert syndrome 23; Short-rib thoracic dysplasia 14 with polydactyly. Last evaluated: 2022-05-15. Review status: criteria provided, single submitter. Criteria: Invitae Variant Classification Sherloc (09022015). Collection method: clinical testing. Allele origin: germline.
Comment: In summary, the available evidence is currently insufficient to determine the role of this variant in disease. Therefore, it has been classified as a Variant of Uncertain Significance. This sequence change replaces alanine, which is neutral and non-polar, with proline, which is neutral and non-polar, at codon 239 of the KIAA0586 protein (p.Ala239Pro). This variant is present in population databases (rs758886732, gnomAD 0.006%). This variant has not been reported in the literature in individuals affected with KIAA0586-related conditions. Algorithms developed to predict the effect of missense changes on protein structure and function are either unavailable or do not agree on the potential impact of this missense change (SIFT: "Deleterious"; PolyPhen-2: "Probably Damaging"; Align-GVGD: "Class C0").